The following is an entry in ClinVar:

NM_001854.4(COL11A1):c.4449A>T (p.Gly1483=)

Gene: COL11A1 (collagen type XI alpha 1 chain; minus strand). Cytogenetic location: 1p21.1.
Variant type: single nucleotide variant.
Coding change: c.4449A>T on transcript NM_001854.4 (MANE Select); coding-DNA position 4449, A replaced by T.
Protein change: p.Gly1483=; no amino-acid change (glycine 1483 retained).
Molecular consequence: synonymous variant. On other transcripts: non-coding transcript variant (1).
Genome position (GRCh38, 1-based): chr1:102,889,470, T>A on the plus strand (A>T on the coding strand, the complement: COL11A1 is on the minus strand). VCF-style: chr1-102889470-T-A. GRCh37 (hg19) VCF-style: chr1-103355026-T-A.
Other names: c.4332A>T, p.Gly1444= (NM_001190709.2); c.4485A>T, p.Gly1495= (NM_080629.3); c.4101A>T, p.Gly1367= (NM_080630.4).
Identifiers: ClinVar variation 3253324 (VCV003253324.1), dbSNP rs766122412.

ClinVar aggregate classification (germline): Uncertain significance (1 of 4 stars; one submission).

Submission:

GeneDx
Classification: Uncertain significance. Last evaluated: 2023-06-20. Review status: criteria provided, single submitter. Criteria: GeneDx Variant Classification Process June 2021. Collection method: clinical testing. Allele origin: germline. Affected: yes.
Comment: Not observed at significant frequency in large population cohorts (gnomAD); In silico analysis suggests this variant may impact gene splicing. In the absence of RNA/functional studies, the actual effect of this sequence change is unknown.; Has not been previously published as pathogenic or benign to our knowledge